The following is an entry in ClinVar:

ClinVar aggregate classification (germline): Uncertain significance (1 of 4 stars; one submission).

Conditions:
Intellectual developmental disorder, autosomal dominant 44, with microcephaly. Also called: TRIO-Related Intellectual Disability; Micrognathia-recurrent infections-behavioral abnormalities-mild intellectual disability syndrome. Identifiers: Orphanet 476126, MedGen C4310740, MONDO:0014892, OMIM 617061.

gnomAD v4.1: 1 of 1,614,204 alleles (0.000062%); highest among the groups gnomAD compares: Non-Finnish European, 0.000085%; no homozygotes.

Submission:

Pittsburgh Clinical Genomics Laboratory, University of Pittsburgh Medical Center
Classification: Uncertain significance for Intellectual developmental disorder, autosomal dominant 44, with microcephaly. Last evaluated: 2024-01-04. Review status: criteria provided, single submitter. Criteria: ACMG Guidelines, 2015. Collection method: clinical testing. Allele origin: germline. Inheritance: Autosomal dominant inheritance. Affected: yes.
Comment: This sequence variant is a single nucleotide substitution (G>A) at position 872 of the coding sequence of the TRIO gene that results in a serine to asparagine amino acid change at residue 291 of the trio Rho guanine nucleotide exchange factor protein. This variant is absent from ClinVar and has not been observed in individuals affected by a TRIO-related disorder in the published literature, to our knowledge. This variant is present in 1 of 1461892 alleles (0.00007%) in the gnomAD v4.0.0 population dataset. Bioinformatic tools are inconclusive if this amino acid change will be damaging or tolerated, and the Ser291 residue at this position is highly conserved across the vertebrate species examined. Studies examining the functional consequence of this variant have not been published, to our knowledge. At this time, there is insufficient evidence to determine if this variant is pathogenic or benign. Therefore, we consider this a variant of uncertain significance. ACMG Criteria: PM2, PP2

NM_007118.4(TRIO):c.872G>A (p.Ser291Asn)

Gene: TRIO (trio Rho guanine nucleotide exchange factor; plus strand). Cytogenetic location: 5p15.2.
Variant type: single nucleotide variant.
Coding change: c.872G>A on transcript NM_007118.4 (MANE Select); coding-DNA position 872, G replaced by A.
Protein change: p.Ser291Asn; replaces serine 291 with asparagine.
Molecular consequence: missense variant. On other transcripts: non-coding transcript variant (1).
Genome position (GRCh38, 1-based): chr5:14,291,047, G>A. VCF-style: chr5-14291047-G-A. GRCh37 (hg19) VCF-style: chr5-14291156-G-A.
Other names: short protein forms S291N.
Identifiers: ClinVar variation 3376386 (VCV003376386.1).
Genomic context (GRCh38, chr5:14,291,047, plus strand): 5'-CCATCGAGGACCTGGATTTGGAGGGACAGAAGCTGCTTCAGAGGATACAGAGCAGTGAAA[G>A]CTTTCCCAAAAAGAACTCAGGCTCAGGCAATGCGGACCTGCAGAACCTCTTGCCCAAGGT-3'
Protein context (NP_009049.2, residues 281-301): KLLQRIQSSE[Ser291Asn]FPKKNSGSGN